The following is an entry in ClinVar:

ClinVar aggregate classification (germline): Uncertain significance (1 of 4 stars; one submission).

Conditions:
Methylcobalamin deficiency type cblG (HMAG). Also called: Functional methionine synthase deficiency type cblG; HOMOCYSTINURIA-MEGALOBLASTIC ANEMIA DUE TO DEFECT IN COBALAMIN METABOLISM, cblG COMPLEMENTATION TYPE; HOMOCYSTINURIA-MEGALOBLASTIC ANEMIA, cblG COMPLEMENTATION TYPE; HOMOCYSTINURIA-MEGALOBLASTIC ANEMIA, cblG TYPE. Identifiers: Orphanet 2170, Orphanet 622, MedGen C1855128, MONDO:0009609, OMIM 250940.

Allele frequency attached by ClinVar (database versions not stated): TOPMed 0.00001; gnomAD exomes 0.00002; ExAC 0.00003.
gnomAD v4.1: 9 of 1,611,226 alleles (0.00056%); highest among the groups gnomAD compares: South Asian, 0.0011%; no homozygotes.

Submissions (2):

Labcorp Genetics (formerly Invitae), Labcorp
Classification: Uncertain significance for Methylcobalamin deficiency type cblG. Last evaluated: 2022-06-22. Review status: criteria provided, single submitter. Criteria: Invitae Variant Classification Sherloc (09022015). Collection method: clinical testing. Allele origin: germline.
Comment: This sequence change falls in intron 1 of the MTR gene. It does not directly change the encoded amino acid sequence of the MTR protein. This variant is present in population databases (rs768230559, gnomAD 0.004%). This variant has not been reported in the literature in individuals affected with MTR-related conditions. Algorithms developed to predict the effect of sequence changes on RNA splicing suggest that this variant may create or strengthen a splice site. In summary, the available evidence is currently insufficient to determine the role of this variant in disease. Therefore, it has been classified as a Variant of Uncertain Significance.

Dr. Peter K. Rogan Lab, Western University
No classification provided (evidence only). Condition: Acute myeloid leukemia. Review status: no classification provided. Collection method: in vitro. Allele origin: not applicable. Functional consequence: retained intron. Not counted in ClinVar's aggregate classification.

NM_000254.3(MTR):c.35-20A>G

Gene: MTR (5-methyltetrahydrofolate-homocysteine methyltransferase; plus strand). Cytogenetic location: 1q43.
Variant type: single nucleotide variant.
Coding change: c.35-20A>G on transcript NM_000254.3 (MANE Select); 20 bases into the intron before coding-DNA position 35, A replaced by G.
Molecular consequence: intron variant.
Genome position (GRCh38, 1-based): chr1:236,803,408, A>G. VCF-style: chr1-236803408-A-G. GRCh37 (hg19) VCF-style: chr1-236966708-A-G.
Other names: c.35-20A>G (NM_001291939.1); c.-1074-20A>G (NM_001291940.2).
Identifiers: ClinVar variation 1941334 (VCV001941334.3), dbSNP rs768230559, ClinGen allele CA1473618.